The following is an entry in ClinVar:

ClinVar aggregate classification (germline): Uncertain significance (1 of 4 stars; one submission).

Submission:

GeneDx
Classification: Uncertain significance. Last evaluated: 2019-05-22. Review status: criteria provided, single submitter. Criteria: GeneDx Variant Classification Process June 2021. Collection method: clinical testing. Allele origin: germline. Affected: yes.
Comment: Not observed in large population cohorts (Lek et al., 2016); In silico analysis, which includes protein predictors and evolutionary conservation, supports that this variant does not alter protein structure/function; Has not been previously published as pathogenic or benign to our knowledge

NM_018489.3(ASH1L):c.5125T>C (p.Ser1709Pro)

Gene: ASH1L (ASH1 like histone lysine methyltransferase; minus strand). Cytogenetic location: 1q22.
Variant type: single nucleotide variant.
Coding change: c.5125T>C on transcript NM_018489.3 (MANE Select); coding-DNA position 5125, T replaced by C.
Protein change: p.Ser1709Pro; replaces serine 1709 with proline.
Molecular consequence: missense variant.
Genome position (GRCh38, 1-based): chr1:155,439,030, A>G on the plus strand (T>C on the coding strand, the complement: ASH1L is on the minus strand). VCF-style: chr1-155439030-A-G. GRCh37 (hg19) VCF-style: chr1-155408821-A-G.
Other names: c.5125T>C, p.Ser1709Pro (NM_001366177.2); short protein forms S1709P.
Identifiers: ClinVar variation 1316845 (VCV001316845.2), dbSNP rs2148620485, ClinGen allele CA342693351.